The following is an entry in ClinVar:

ClinVar aggregate classification (germline): Uncertain significance (1 of 4 stars; one submission).

Submission:

Ambry Genetics
Classification: Uncertain significance. Last evaluated: 2026-07-21. Review status: criteria provided, single submitter. Criteria: Ambry Variant Classification Scheme 2023. Collection method: clinical testing. Allele origin: germline.
Comment: The p.G410R variant (also known as c.1228G>C), located in coding exon 11 of the A2ML1 gene, results from a G to C substitution at nucleotide position 1228. The glycine at codon 410 is replaced by arginine, an amino acid with dissimilar properties. This amino acid position is conserved. In addition, this alteration is predicted to be tolerated by in silico analysis. Based on the available evidence, the clinical significance of this variant remains unclear.

NM_144670.6(A2ML1):c.1228G>C (p.Gly410Arg)

Gene: A2ML1 (alpha-2-macroglobulin like 1; plus strand). Cytogenetic location: 12p13.31.
Variant type: single nucleotide variant.
Coding change: c.1228G>C on transcript NM_144670.6 (MANE Select); coding-DNA position 1228, G replaced by C.
Protein change: p.Gly410Arg; replaces glycine 410 with arginine.
Molecular consequence: missense variant.
Genome position (GRCh38, 1-based): chr12:8,841,516, G>C. VCF-style: chr12-8841516-G-C. GRCh37 (hg19) VCF-style: chr12-8994112-G-C.
Other names: short protein forms G410R.
Identifiers: ClinVar variation 5025016 (VCV005025016.1).